The following is an entry in ClinVar:

NM_024426.6(WT1):c.600G>A (p.Met200Ile)

Genes: WT1 (WT1 transcription factor; minus strand), LOC107982234 (WT1/WT1-AS bi-directional promoter region; plus strand). Cytogenetic location: 11p13.
Variant type: single nucleotide variant.
Coding change: c.600G>A on transcript NM_024426.6 (MANE Select); coding-DNA position 600, G replaced by A.
Protein change: p.Met200Ile; replaces methionine 200 with isoleucine.
Molecular consequence: missense variant. On other transcripts: non-coding transcript variant (1).
Genome position (GRCh38, 1-based): chr11:32,434,761, C>T on the plus strand (G>A on the coding strand, the complement: WT1 is on the minus strand). VCF-style: chr11-32434761-C-T. GRCh37 (hg19) VCF-style: chr11-32456307-C-T.
Other names: c.600G>A, p.Met200Ile (NM_000378.6, NM_024424.5); short protein forms M200I.
Identifiers: ClinVar variation 406685 (VCV000406685.11), dbSNP rs1060501257, ClinGen allele CA16613372.

ClinVar aggregate classification (germline): Uncertain significance. Review status: criteria provided, multiple submitters, no conflicts (2 of 4 stars). 3 submissions from 3 submitters: Uncertain significance (3). Last evaluated 2024-12-09.

Conditions:
Inborn genetic diseases. Identifiers: MedGen C0950123, MeSH D030342.
Wilms tumor 1 (WT1). Also called: Wilms tumor, somatic. Identifiers: Orphanet 654, MedGen CN033288, MONDO:0008679, OMIM 194070.
Meacham syndrome. Also called: Meacham Winn Culler syndrome. Identifiers: Orphanet 3097, MedGen C1837026, MONDO:0012164, OMIM 608978.
Aniridia 1 (AN1). Identifiers: Orphanet 250923, MedGen C0344542, MONDO:0024507, OMIM 106210.
Frasier syndrome. Identifiers: Orphanet 347, MedGen C0950122, MeSH D052159, MONDO:0007635, OMIM 136680.
Drash syndrome (DDS). Also called: NEPHROPATHY, WILMS TUMOR, AND GENITAL ANOMALIES; WILMS TUMOR AND PSEUDO- OR TRUE HERMAPHRODITISM. Identifiers: Orphanet 220, MedGen C0950121, MONDO:0008682, OMIM 194080.
11p partial monosomy syndrome (WAGR). Also called: CHROMOSOME 11p13 DELETION SYNDROME; WAGR syndrome; WAGR Complex; WAGR Spectrum Disorder. Identifiers: Orphanet 893, MedGen C0206115, MONDO:0008681, OMIM 194072.
Nephrotic syndrome, type 4 (NPHS4). Also called: Familial mesangial sclerosis; Nephrotic syndrome, early onset with diffuse mesangial sclerosis. Identifiers: Orphanet 656, MedGen C3151568, MONDO:0009733, OMIM 256370.
Mesothelioma, malignant (MESOM). Also called: Malignant mesothelioma (disease). Identifiers: Orphanet 50251, MedGen C0345967, MONDO:0006292, OMIM 156240, HP:0100001.

Allele frequency attached by ClinVar (database versions not stated): gnomAD exomes below 0.00001; TOPMed below 0.00001.
gnomAD v4.1: 2 of 1,612,906 alleles (0.00012%); highest among the groups gnomAD compares: Non-Finnish European, 0.00017%; no homozygotes.

Submissions (3):

Ambry Genetics
Classification: Uncertain significance for Inborn genetic diseases. Last evaluated: 2024-12-09. Review status: criteria provided, single submitter. Criteria: Ambry Variant Classification Scheme 2023. Collection method: clinical testing. Allele origin: germline.
Comment: The p.M195I variant (also known as c.585G>A), located in coding exon 1 of the WT1 gene, results from a G to A substitution at nucleotide position 585. The methionine at codon 195 is replaced by isoleucine, an amino acid with highly similar properties. This amino acid position is conserved. In addition, the in silico prediction for this alteration is inconclusive. Based on the available evidence, the clinical significance of this variant remains unclear.

Labcorp Genetics (formerly Invitae), Labcorp
Classification: Uncertain significance for Wilms tumor 1; Drash syndrome; 11p partial monosomy syndrome; Frasier syndrome. Last evaluated: 2023-11-28. Review status: criteria provided, single submitter. Criteria: Invitae Variant Classification Sherloc (09022015). Collection method: clinical testing. Allele origin: germline.
Comment: This sequence change replaces methionine, which is neutral and non-polar, with isoleucine, which is neutral and non-polar, at codon 195 of the WT1 protein (p.Met195Ile). This variant is not present in population databases (gnomAD no frequency). This variant has not been reported in the literature in individuals affected with WT1-related conditions. ClinVar contains an entry for this variant (Variation ID: 406685). An algorithm developed to predict the effect of missense changes on protein structure and function (PolyPhen-2) suggests that this variant is likely to be disruptive. In summary, the available evidence is currently insufficient to determine the role of this variant in disease. Therefore, it has been classified as a Variant of Uncertain Significance.

Fulgent Genetics
Classification: Uncertain significance for Aniridia 1; Frasier syndrome; Mesothelioma, malignant; Wilms tumor 1; 11p partial monosomy syndrome; Drash syndrome; Nephrotic syndrome, type 4; Meacham syndrome. Last evaluated: 2022-03-02. Review status: criteria provided, single submitter. Criteria: ACMG Guidelines, 2015. Collection method: clinical testing. Allele origin: unknown.